The following is an entry in ClinVar:

ClinVar aggregate classification (germline): Uncertain significance. Review status: criteria provided, multiple submitters, no conflicts (2 of 4 stars). 2 submissions from 2 submitters: Uncertain significance (2). Last evaluated 2025-07-25.

Conditions:
Gastrointestinal stromal tumor. Also called: Gastrointestinal stromal tumor, somatic; Gastrointestinal stroma tumor. Identifiers: Orphanet 44890, MedGen C0238198, MeSH D046152, MONDO:0011719, OMIM 606764, HP:0100723.
Hereditary cancer-predisposing syndrome. Also called: Neoplastic Syndromes, Hereditary; Hereditary Cancer Syndrome; Hereditary neoplastic syndrome; Tumor predisposition. Identifiers: Orphanet 140162, MedGen C0027672, MeSH D009386, MONDO:0015356.

Allele frequency attached by ClinVar (database versions not stated): gnomAD exomes below 0.00001; TOPMed below 0.00001; gnomAD 0.00001.
gnomAD v4.1: 2 of 1,613,962 alleles (0.00012%); highest among the groups gnomAD compares: East Asian, 0.0045%; no homozygotes.

Submissions (2):

Labcorp Genetics (formerly Invitae), Labcorp
Classification: Uncertain significance for Gastrointestinal stromal tumor. Last evaluated: 2025-07-25. Review status: criteria provided, single submitter. Criteria: Invitae Variant Classification Sherloc (09022015). Collection method: clinical testing. Allele origin: germline.
Comment: This sequence change replaces asparagine, which is neutral and polar, with serine, which is neutral and polar, at codon 103 of the PDGFRA protein (p.Asn103Ser). This variant is not present in population databases (gnomAD no frequency). This variant has not been reported in the literature in individuals affected with PDGFRA-related conditions. ClinVar contains an entry for this variant (Variation ID: 1000126). Invitae Evidence Modeling of protein sequence and biophysical properties (such as structural, functional, and spatial information, amino acid conservation, physicochemical variation, residue mobility, and thermodynamic stability) indicates that this missense variant is not expected to disrupt PDGFRA protein function with a negative predictive value of 80%. In summary, the available evidence is currently insufficient to determine the role of this variant in disease. Therefore, it has been classified as a Variant of Uncertain Significance.

Ambry Genetics
Classification: Uncertain significance for Hereditary cancer-predisposing syndrome. Last evaluated: 2023-06-03. Review status: criteria provided, single submitter. Criteria: Ambry Variant Classification Scheme 2023. Collection method: clinical testing. Allele origin: germline.
Comment: The p.N103S variant (also known as c.308A>G), located in coding exon 2 of the PDGFRA gene, results from an A to G substitution at nucleotide position 308. The asparagine at codon 103 is replaced by serine, an amino acid with highly similar properties. This amino acid position is conserved. In addition, this alteration is predicted to be tolerated by in silico analysis. Since supporting evidence is limited at this time, the clinical significance of this alteration remains unclear.

NM_006206.6(PDGFRA):c.308A>G (p.Asn103Ser)

Gene: PDGFRA (platelet derived growth factor receptor alpha; plus strand). Cytogenetic location: 4q12.
Variant type: single nucleotide variant.
Coding change: c.308A>G on transcript NM_006206.6 (MANE Select); coding-DNA position 308, A replaced by G.
Protein change: p.Asn103Ser; replaces asparagine 103 with serine.
Molecular consequence: missense variant.
Genome position (GRCh38, 1-based): chr4:54,261,353, A>G. VCF-style: chr4-54261353-A-G. GRCh37 (hg19) VCF-style: chr4-55127520-A-G.
Other names: c.308A>G, p.Asn103Ser (NM_001347827.2, NM_001347829.2); c.383A>G, p.Asn128Ser (NM_001347828.2); c.347A>G, p.Asn116Ser (NM_001347830.2); c.308A>G (NM_006206.4); short protein forms N103S, N116S, N128S.
Identifiers: ClinVar variation 1000126 (VCV001000126.11), dbSNP rs1004486437, ClinGen allele CA96847404.